The following is an entry in ClinVar:

NM_004998.4(MYO1E):c.3020G>A (p.Arg1007Gln)

Gene: MYO1E (myosin IE; minus strand). Cytogenetic location: 15q22.2.
Variant type: single nucleotide variant.
Coding change: c.3020G>A on transcript NM_004998.4 (MANE Select); coding-DNA position 3020, G replaced by A.
Protein change: p.Arg1007Gln; replaces arginine 1007 with glutamine.
Molecular consequence: missense variant.
Genome position (GRCh38, 1-based): chr15:59,153,650, C>T on the plus strand (G>A on the coding strand, the complement: MYO1E is on the minus strand). VCF-style: chr15-59153650-C-T. GRCh37 (hg19) VCF-style: chr15-59445849-C-T.
Other names: short protein forms R1007Q.
Identifiers: ClinVar variation 1466389 (VCV001466389.7), dbSNP rs564470291, ClinGen allele CA7589052.
Genomic context (GRCh38, chr15:59,153,650, plus strand): 5'-CCTGCAGCTCCCTGGTCCGGGACCTTGAGGAAATCCAGGCTCTCTGGCGTCTGTGACACT[C>T]GGTCTGAACTGGTAGACTGCTGCCGAGGCAAGGGCGGGCGGGCCATGGAGGTGTACAGGC-3'
Protein context (NP_004989.2, residues 997-1017): LPRQQSTSSD[Arg1007Gln]VSQTPESLDF

ClinVar aggregate classification (germline): Uncertain significance (1 of 4 stars; one submission).

Allele frequency attached by ClinVar (database versions not stated): gnomAD 0.00001; 1000 Genomes Project 30x 0.00016; 1000 Genomes Project 0.00020.
gnomAD v4.1: 15 of 1,614,176 alleles (0.00093%); highest among the groups gnomAD compares: Admixed American, 0.0083%; no homozygotes.

Submission:

Labcorp Genetics (formerly Invitae), Labcorp
Classification: Uncertain significance. Last evaluated: 2021-03-18. Review status: criteria provided, single submitter. Criteria: Invitae Variant Classification Sherloc (09022015). Collection method: clinical testing. Allele origin: germline.
Comment: This variant has not been reported in the literature in individuals with MYO1E-related conditions. Algorithms developed to predict the effect of missense changes on protein structure and function (SIFT, PolyPhen-2, Align-GVGD) all suggest that this variant is likely to be tolerated, but these predictions have not been confirmed by published functional studies and their clinical significance is uncertain. In summary, the available evidence is currently insufficient to determine the role of this variant in disease. Therefore, it has been classified as a Variant of Uncertain Significance. This variant is present in population databases (rs564470291, ExAC 0.009%). This sequence change replaces arginine with glutamine at codon 1007 of the MYO1E protein (p.Arg1007Gln). The arginine residue is highly conserved and there is a small physicochemical difference between arginine and glutamine.